The following is an entry in ClinVar:

NM_005142.3(CBLIF):c.154T>A (p.Tyr52Asn)

Gene: CBLIF (cobalamin binding intrinsic factor; minus strand). Cytogenetic location: 11q12.1.
Variant type: single nucleotide variant.
Coding change: c.154T>A on transcript NM_005142.3 (MANE Select); coding-DNA position 154, T replaced by A.
Protein change: p.Tyr52Asn; replaces tyrosine 52 with asparagine.
Molecular consequence: missense variant.
Genome position (GRCh38, 1-based): chr11:59,843,981, A>T on the plus strand (T>A on the coding strand, the complement: CBLIF is on the minus strand). VCF-style: chr11-59843981-A-T. GRCh37 (hg19) VCF-style: chr11-59611454-A-T.
Other names: short protein forms Y52N.
Identifiers: ClinVar variation 305044 (VCV000305044.59), dbSNP rs144916324, ClinGen allele CA6021663.

ClinVar aggregate classification (germline): Conflicting classifications of pathogenicity. Review status: criteria provided, conflicting classifications (1 of 4 stars). 6 submissions from 6 submitters: Uncertain significance (2); Likely benign (3). 1 of the submissions does not count toward it. Last evaluated 2025-11-26.

Conditions:
CBLIF-related disorder. Also called: CBLIF-related condition.
Hereditary intrinsic factor deficiency (IFD). Also called: Congenital intrinsic factor deficiency; PERNICIOUS ANEMIA, CONGENITAL, DUE TO DEFECT OF INTRINSIC FACTOR. Identifiers: Orphanet 332, MedGen C2062370, MONDO:0009852, OMIM 261000.

Allele frequency attached by ClinVar (database versions not stated): 1000 Genomes Project 30x 0.00031; 1000 Genomes Project 0.00040; TOPMed 0.00102; gnomAD exomes 0.00130; ESP Exome Variant Server 0.00139; ExAC 0.00140; gnomAD 0.00141 and 0.00148.
gnomAD v4.1: 2,849 of 1,613,350 alleles (0.18%); highest among the groups gnomAD compares: Non-Finnish European, 0.22%; 8 homozygotes.

Submissions (6):

Labcorp Genetics (formerly Invitae), Labcorp
Classification: Likely benign for Hereditary intrinsic factor deficiency. Last evaluated: 2025-11-26. Review status: criteria provided, single submitter. Criteria: Invitae Variant Classification Sherloc (09022015). Collection method: clinical testing. Allele origin: germline.

Blueprint Genetics
Classification: Likely benign. Last evaluated: 2024-11-19. Review status: criteria provided, single submitter. Criteria: ACMG Guidelines, 2015. Collection method: clinical testing. Allele origin: germline.

CeGaT Center for Human Genetics Tuebingen
Classification: Likely benign. Last evaluated: 2023-01-01. Review status: criteria provided, single submitter. Criteria: CeGaT Center For Human Genetics Tuebingen Variant Classification Criteria Version 2. Collection method: clinical testing. Allele origin: germline. Affected: yes. Observed: 2 variant alleles.
Comment: CBLIF: BP4, BS2

Ambry Genetics
Classification: Uncertain significance. Last evaluated: 2022-08-12. Review status: criteria provided, single submitter. Criteria: Ambry Variant Classification Scheme 2023. Collection method: clinical testing. Allele origin: germline.

Illumina Laboratory Services, Illumina
Classification: Uncertain significance for Hereditary intrinsic factor deficiency. Last evaluated: 2018-01-13. Review status: criteria provided, single submitter. Criteria: ICSL Variant Classification Criteria 13 December 2019. Collection method: clinical testing. Allele origin: germline.

PreventionGenetics, part of Exact Sciences
Classification: Likely benign for CBLIF-related condition. Last evaluated: 2023-12-18. Review status: no assertion criteria provided. Collection method: clinical testing. Allele origin: germline. Not counted in ClinVar's aggregate classification.
Comment: This variant is classified as likely benign based on ACMG/AMP sequence variant interpretation guidelines (Richards et al. 2015 PMID: 25741868, with internal and published modifications).